The following is an entry in ClinVar:

ClinVar aggregate classification (germline): Likely benign. Review status: criteria provided, multiple submitters, no conflicts (2 of 4 stars). 2 submissions from 2 submitters: Likely benign (2). Last evaluated 2025-08-01.

Conditions:
Carney complex, type 1 (CNC1). Also called: CARNEY COMPLEX, TYPE I; CARNEY MYXOMA-ENDOCRINE COMPLEX. Identifiers: Orphanet 1359, MedGen C2607929, MONDO:0008057, OMIM 160980.

Submissions (2):

CeGaT Center for Human Genetics Tuebingen
Classification: Likely benign. Last evaluated: 2025-08-01. Review status: criteria provided, single submitter. Criteria: CeGaT Center For Human Genetics Tuebingen Variant Classification Criteria Version 2. Collection method: clinical testing. Allele origin: germline. Affected: yes. Observed: 1 variant allele.
Comment: PRKAR1A: PM2:Supporting, BP4, BP7

Labcorp Genetics (formerly Invitae), Labcorp
Classification: Likely benign for Carney complex, type 1. Last evaluated: 2017-12-27. Review status: criteria provided, single submitter. Criteria: Invitae Variant Classification Sherloc (09022015). Collection method: clinical testing. Allele origin: germline.

NM_002734.5(PRKAR1A):c.693T>C (p.Tyr231=)

Gene: PRKAR1A (protein kinase cAMP-dependent type I regulatory subunit alpha; plus strand). Cytogenetic location: 17q24.2.
Variant type: single nucleotide variant.
Coding change: c.693T>C on transcript NM_002734.5 (MANE Select); coding-DNA position 693, T replaced by C.
Protein change: p.Tyr231=; no amino-acid change (tyrosine 231 retained).
Molecular consequence: synonymous variant.
Genome position (GRCh38, 1-based): chr17:68,525,897, T>C. VCF-style: chr17-68525897-T-C. GRCh37 (hg19) VCF-style: chr17-66522038-T-C.
Other names: c.693T>C, p.Tyr231= (NM_001276289.2, NM_001276290.1, NM_001278433.2 and 4 more transcripts).
Identifiers: ClinVar variation 536903 (VCV000536903.16), dbSNP rs1555814113, ClinGen allele CA501527972.